The following is an entry in ClinVar:

NM_001110556.2(FLNA):c.5753G>A (p.Gly1918Glu)

Gene: FLNA (filamin A; minus strand). Cytogenetic location: Xq28.
Variant type: single nucleotide variant.
Coding change: c.5753G>A on transcript NM_001110556.2 (MANE Select); coding-DNA position 5753, G replaced by A.
Protein change: p.Gly1918Glu; replaces glycine 1918 with glutamic acid.
Molecular consequence: missense variant.
Genome position (GRCh38, 1-based): chrX:154,353,661, C>T on the plus strand (G>A on the coding strand, the complement: FLNA is on the minus strand). VCF-style: chrX-154353661-C-T. GRCh37 (hg19) VCF-style: chrX-153582029-C-T.
Other names: c.5729G>A, p.Gly1910Glu (NM_001456.4); short protein forms G1910E, G1918E.
Identifiers: ClinVar variation 1197809 (VCV001197809.7), dbSNP rs373862172, ClinGen allele CA10560233.

ClinVar aggregate classification (germline): Conflicting classifications of pathogenicity. Review status: criteria provided, conflicting classifications (1 of 4 stars). 3 submissions from 3 submitters: Uncertain significance (2); Likely benign (1). Last evaluated 2024-03-09.

Conditions:
Heterotopia, periventricular, X-linked dominant (PVNH1). Also called: PERIVENTRICULAR NODULAR HETEROTOPIA 1; X-linked periventricular heterotopia; PERIVENTRICULAR NODULAR HETEROTOPIA 4; HETEROTOPIA, PERIVENTRICULAR, 1. Identifiers: Orphanet 2149, Orphanet 82004, MedGen C1848213, MONDO:0010233, OMIM 300049.
Melnick-Needles syndrome (MNS). Also called: MELNICK-NEEDLES OSTEODYSPLASTY; OSTEODYSPLASTY OF MELNICK AND NEEDLES; Melnick-Needles Syndrome (FLNA-MNS). Identifiers: Orphanet 2484, MedGen C0025237, MONDO:0010650, OMIM 309350.
Frontometaphyseal dysplasia (FMD1). Identifiers: Orphanet 1826, MedGen C0265293, MONDO:0015942.
Oto-palato-digital syndrome, type II (OPD2). Also called: FACIOPALATOOSSEOUS SYNDROME; OPD II SYNDROME; Otopalatodigital Syndrome Type 2 (FLNA-OPD2); Otopalatodigital Syndrome, Type II. Identifiers: Orphanet 669, Orphanet 90652, MedGen C1844696, MONDO:0010571, OMIM 304120.
Familial thoracic aortic aneurysm and aortic dissection (TAAD). Also called: Thoracic aortic aneurysms and dissections. Identifiers: Orphanet 91387, MedGen C4707243, MONDO:0019625.

Allele frequency attached by ClinVar (database versions not stated): gnomAD exomes below 0.00001 and 0.00001; gnomAD 0.00001; TOPMed 0.00001; ExAC 0.00002; ESP Exome Variant Server 0.00019.
gnomAD v4.1: 2 of 1,210,539 alleles (0.00017%); highest among the groups gnomAD compares: African/African-American, 0.0017%; no homozygotes.

Submissions (3):

Labcorp Genetics (formerly Invitae), Labcorp
Classification: Likely benign for Oto-palato-digital syndrome, type II; Heterotopia, periventricular, X-linked dominant; Frontometaphyseal dysplasia; Melnick-Needles syndrome. Last evaluated: 2024-03-09. Review status: criteria provided, single submitter. Criteria: Invitae Variant Classification Sherloc (09022015). Collection method: clinical testing. Allele origin: germline.

GeneDx
Classification: Uncertain significance. Last evaluated: 2021-02-22. Review status: criteria provided, single submitter. Criteria: GeneDx Variant Classification Process June 2021. Collection method: clinical testing. Allele origin: germline. Affected: yes.
Comment: In silico analysis supports that this missense variant has a deleterious effect on protein structure/function; Has not been previously published as pathogenic or benign to our knowledge

Ambry Genetics
Classification: Uncertain significance for Familial thoracic aortic aneurysm and aortic dissection. Last evaluated: 2017-06-05. Review status: criteria provided, single submitter. Criteria: Ambry Variant Classification Scheme 2023. Collection method: clinical testing. Allele origin: germline.
Comment: The p.G1910E variant (also known as c.5729G>A), located in coding exon 34 of the FLNA gene, results from a G to A substitution at nucleotide position 5729. The glycine at codon 1910 is replaced by glutamic acid, an amino acid with similar properties. This amino acid position is highly conserved in available vertebrate species. In addition, this alteration is predicted to be deleterious by in silico analysis. Since supporting evidence is limited at this time, the clinical significance of this alteration remains unclear.